The following is an entry in ClinVar:

NM_177438.3(DICER1):c.1716del (p.Phe572fs)

Gene: DICER1 (dicer 1, ribonuclease III; minus strand). Cytogenetic location: 14q32.13.
Variant type: Deletion.
Coding change: c.1716del on transcript NM_177438.3 (MANE Select); coding-DNA position 1716, one base deleted (T; older notation c.1716delT).
Protein change: p.Phe572fs; shifts the reading frame from phenylalanine 572.
Molecular consequence: frameshift variant.
Genome position (GRCh38, 1-based): chr14:95,116,489, A deleted on the plus strand (T on the coding strand, the reverse complement: DICER1 is on the minus strand); the first of 4 consecutive A bases (chr14:95,116,489-95,116,492); deleting any one gives the same sequence. VCF-style (leftmost placement, unchanged base first): chr14-95116488-CA-C. GRCh37 (hg19) VCF-style: chr14-95582825-CA-C.
Other names: c.1716delT (NM_177438.2); c.1716del, p.Phe572fs (NM_001195573.1, NM_001271282.3, NM_001291628.2 and 1 more transcripts); short protein forms F572fs.
Identifiers: ClinVar variation 254292 (VCV000254292.4), dbSNP rs886037676, ClinGen allele CA10586453.

ClinVar aggregate classification (germline): Pathogenic. Review status: criteria provided, multiple submitters, no conflicts (2 of 4 stars). 2 submissions from 2 submitters: Pathogenic (2). Last evaluated 2019-07-01.

Conditions:
DICER1-related tumor predisposition. Also called: DICER1 syndrome; DICER1-related pleuropulmonary blastoma cancer predisposition syndrome. Identifiers: Orphanet 284343, MedGen C3839822, MONDO:0100216.

Submissions (2):

Foulkes Cancer Genetics LDI, Lady Davis Institute for Medical Research
Classification: Pathogenic for Pleuropulmonary blastoma. Last evaluated: 2019-07-01. Review status: criteria provided, single submitter. Criteria: ACMG Guidelines, 2015. Collection method: curation. Allele origin: germline, de novo. Affected: yes. Observed: 2 variant alleles.
Comment: ACMG criteria met: PVS1, PM2, PP4

International Pleuropulmonary Blastoma Registry, Children's Hospitals and Clinics of Minnesota
Classification: Pathogenic for Pleuropulmonary blastoma. Last evaluated: 2014-11-10. Review status: criteria provided, single submitter. Criteria: Hill et al. (Science. 2009). Collection method: clinical testing. Allele origin: somatic. Affected: yes. Study: PPB-DICER1 Genetic study.

Literature cited by the submitters: PubMed 21266384 (cited by Foulkes Cancer Genetics LDI, Lady Davis Institute for Medical Research); PubMed 26925222 (cited by Foulkes Cancer Genetics LDI, Lady Davis Institute for Medical Research and International Pleuropulmonary Blastoma Registry, Children's Hospitals and Clinics of Minnesota).